The following is an entry in ClinVar:

NM_002181.4(IHH):c.704A>C (p.Asp235Ala)

Gene: IHH (Indian hedgehog signaling molecule; minus strand). Cytogenetic location: 2q35.
Variant type: single nucleotide variant.
Coding change: c.704A>C on transcript NM_002181.4 (MANE Select); coding-DNA position 704, A replaced by C.
Protein change: p.Asp235Ala; replaces aspartic acid 235 with alanine.
Molecular consequence: missense variant.
Genome position (GRCh38, 1-based): chr2:219,055,739, T>G on the plus strand (A>C on the coding strand, the complement: IHH is on the minus strand). VCF-style: chr2-219055739-T-G. GRCh37 (hg19) VCF-style: chr2-219920461-T-G.
Other names: short protein forms D235A.
Identifiers: ClinVar variation 859142 (VCV000859142.11), dbSNP rs774042639, ClinGen allele CA2116627.

ClinVar aggregate classification (germline): Uncertain significance. Review status: criteria provided, multiple submitters, no conflicts (2 of 4 stars). 2 submissions from 2 submitters: Uncertain significance (2). Last evaluated 2023-10-03.

Conditions:
Inborn genetic diseases. Identifiers: MedGen C0950123, MeSH D030342.

Allele frequency attached by ClinVar (database versions not stated): ExAC 0.00001; gnomAD exomes 0.00002; TOPMed below 0.00001.

Submissions (2):

Ambry Genetics
Classification: Uncertain significance for Inborn genetic diseases. Last evaluated: 2023-10-03. Review status: criteria provided, single submitter. Criteria: Ambry Variant Classification Scheme 2023. Collection method: clinical testing. Allele origin: germline.

Labcorp Genetics (formerly Invitae), Labcorp
Classification: Uncertain significance. Last evaluated: 2019-12-30. Review status: criteria provided, single submitter. Criteria: Invitae Variant Classification Sherloc (09022015). Collection method: clinical testing. Allele origin: germline.
Comment: In summary, the available evidence is currently insufficient to determine the role of this variant in disease. Therefore, it has been classified as a Variant of Uncertain Significance. Algorithms developed to predict the effect of missense changes on protein structure and function (SIFT, PolyPhen-2, Align-GVGD) all suggest that this variant is likely to be tolerated, but these predictions have not been confirmed by published functional studies and their clinical significance is uncertain. This variant has not been reported in the literature in individuals with IHH-related conditions. This variant is present in population databases (rs774042639, ExAC 0.009%). This sequence change replaces aspartic acid with alanine at codon 235 of the IHH protein (p.Asp235Ala). The aspartic acid residue is moderately conserved and there is a moderate physicochemical difference between aspartic acid and alanine.